The following is an entry in ClinVar:

ClinVar aggregate classification (germline): Uncertain significance. Review status: criteria provided, multiple submitters, no conflicts (2 of 4 stars). 2 submissions from 2 submitters: Uncertain significance (2). Last evaluated 2024-06-04.

Allele frequency attached by ClinVar (database versions not stated): ExAC 0.00001; gnomAD exomes 0.00001 and 0.00002; TOPMed 0.00004.
gnomAD v4.1: 12 of 1,592,918 alleles (0.00075%); highest among the groups gnomAD compares: Admixed American, 0.014%; no homozygotes.

Submissions (2):

Ambry Genetics
Classification: Uncertain significance. Last evaluated: 2024-06-04. Review status: criteria provided, single submitter. Criteria: Ambry Variant Classification Scheme 2023. Collection method: clinical testing. Allele origin: germline.

Labcorp Genetics (formerly Invitae), Labcorp
Classification: Uncertain significance. Last evaluated: 2024-04-15. Review status: criteria provided, single submitter. Criteria: Invitae Variant Classification Sherloc (09022015). Collection method: clinical testing. Allele origin: germline.
Comment: This sequence change replaces asparagine, which is neutral and polar, with threonine, which is neutral and polar, at codon 740 of the KIF20A protein (p.Asn740Thr). This variant is present in population databases (rs765501495, gnomAD 0.02%). This variant has not been reported in the literature in individuals affected with KIF20A-related conditions. ClinVar contains an entry for this variant (Variation ID: 1447354). An algorithm developed to predict the effect of missense changes on protein structure and function (PolyPhen-2) suggests that this variant is likely to be disruptive. In summary, the available evidence is currently insufficient to determine the role of this variant in disease. Therefore, it has been classified as a Variant of Uncertain Significance.

NM_005733.3(KIF20A):c.2219A>C (p.Asn740Thr)

Gene: KIF20A (kinesin family member 20A; plus strand). Cytogenetic location: 5q31.2.
Variant type: single nucleotide variant.
Coding change: c.2219A>C on transcript NM_005733.3 (MANE Select); coding-DNA position 2219, A replaced by C.
Protein change: p.Asn740Thr; replaces asparagine 740 with threonine.
Molecular consequence: missense variant.
Genome position (GRCh38, 1-based): chr5:138,186,295, A>C. VCF-style: chr5-138186295-A-C. GRCh37 (hg19) VCF-style: chr5-137521984-A-C.
Other names: c.2219A>C (NM_005733.2); short protein forms N740T.
Identifiers: ClinVar variation 1447354 (VCV001447354.8), dbSNP rs765501495, ClinGen allele CA3426861.
Genomic context (GRCh38, chr5:138,186,295, plus strand): 5'-CCAGATCATTATCCTGGTTGCTCTTGGCCACAATATGATTCCTACTTCCCCTTTTTCAGA[A>C]TATAAGGCTGTTGCGGACAGAGCTTCAGAAACTTGGTGAGTCTCTCCAATCAGCAGAGAG-3'
Protein context (NP_005724.1, residues 730-750): VDKKLEEGQK[Asn740Thr]IRLLRTELQK